The following is an entry in ClinVar:

NM_006267.5(RANBP2):c.3485A>T (p.His1162Leu)

Gene: RANBP2 (RAN binding protein 2; plus strand). Cytogenetic location: 2q13.
Variant type: single nucleotide variant.
Coding change: c.3485A>T on transcript NM_006267.5 (MANE Select); coding-DNA position 3485, A replaced by T.
Protein change: p.His1162Leu; replaces histidine 1162 with leucine.
Molecular consequence: missense variant.
Genome position (GRCh38, 1-based): chr2:108,764,024, A>T. VCF-style: chr2-108764024-A-T. GRCh37 (hg19) VCF-style: chr2-109380480-A-T.
Other names: c.3485A>T (NM_006267.4); short protein forms H1162L.
Identifiers: ClinVar variation 1011786 (VCV001011786.10), dbSNP rs1306184111, ClinGen allele CA348062009.

ClinVar aggregate classification (germline): Uncertain significance. Review status: criteria provided, multiple submitters, no conflicts (2 of 4 stars). 2 submissions from 2 submitters: Uncertain significance (2). Last evaluated 2025-08-07.

Conditions:
Familial acute necrotizing encephalopathy (IIAE3). Also called: ENCEPHALOPATHY, ACUTE, INFECTION-INDUCED, SUSCEPTIBILITY TO, 3; Susceptibility to Acute Necrotizing Encephalopathy 1. Identifiers: Orphanet 88619, MedGen C2675556, MONDO:0011953, OMIM 608033.

Allele frequency attached by ClinVar (database versions not stated): gnomAD exomes below 0.00001 and 0.00001; TOPMed 0.00001.
gnomAD v4.1: 13 of 1,613,830 alleles (0.00081%); highest among the groups gnomAD compares: Non-Finnish European, 0.0011%; no homozygotes.

Submissions (2):

Ambry Genetics
Classification: Uncertain significance. Last evaluated: 2025-08-07. Review status: criteria provided, single submitter. Criteria: Ambry Variant Classification Scheme 2023. Collection method: clinical testing. Allele origin: germline.

Labcorp Genetics (formerly Invitae), Labcorp
Classification: Uncertain significance for Familial acute necrotizing encephalopathy. Last evaluated: 2020-08-10. Review status: criteria provided, single submitter. Criteria: Invitae Variant Classification Sherloc (09022015). Collection method: clinical testing. Allele origin: germline.
Comment: In summary, the available evidence is currently insufficient to determine the role of this variant in disease. Therefore, it has been classified as a Variant of Uncertain Significance. Algorithms developed to predict the effect of missense changes on protein structure and function are either unavailable or do not agree on the potential impact of this missense change (SIFT: "Deleterious"; PolyPhen-2: "Benign"; Align-GVGD: "Class C65"). This variant has not been reported in the literature in individuals with RANBP2-related conditions. This variant is not present in population databases (ExAC no frequency). This sequence change replaces histidine with leucine at codon 1162 of the RANBP2 protein (p.His1162Leu). The histidine residue is highly conserved and there is a moderate physicochemical difference between histidine and leucine.